The following is an entry in ClinVar:

ClinVar aggregate classification (germline): Likely benign. Review status: criteria provided, single submitter (1 of 4 stars). 2 submissions from 2 submitters: Likely benign (1). 1 of the submissions does not count toward it. Last evaluated 2024-04-16.

Conditions:
TTC7A-related disorder. Also called: TTC7A-related condition.
Multiple gastrointestinal atresias. Also called: Multiple intestinal atresia; FAMILIAL INTESTINAL POLYATRESIA SYNDROME. Identifiers: Orphanet 2300, MedGen C0220744, MONDO:0009465.

Allele frequency attached by ClinVar (database versions not stated): gnomAD 0.00001 and 0.00003; TOPMed 0.00001; gnomAD exomes 0.00002 and 0.00004; ExAC 0.00005.

Submissions (2):

Labcorp Genetics (formerly Invitae), Labcorp
Classification: Likely benign for Multiple gastrointestinal atresias. Last evaluated: 2024-04-16. Review status: criteria provided, single submitter. Criteria: Invitae Variant Classification Sherloc (09022015). Collection method: clinical testing. Allele origin: germline.

PreventionGenetics, part of Exact Sciences
Classification: Likely benign for TTC7A-related condition. Last evaluated: 2019-04-18. Review status: no assertion criteria provided. Collection method: clinical testing. Allele origin: germline. Not counted in ClinVar's aggregate classification.
Comment: This variant is classified as likely benign based on ACMG/AMP sequence variant interpretation guidelines (Richards et al. 2015 PMID: 25741868, with internal and published modifications).

NM_020458.4(TTC7A):c.518-5C>T

Genes: TTC7A (tetratricopeptide repeat domain 7A; plus strand), LOC126806211 (CDK7 strongly-dependent group 2 enhancer GRCh37_chr2:47201305-47202504; plus strand). Cytogenetic location: 2p21.
Variant type: single nucleotide variant.
Coding change: c.518-5C>T on transcript NM_020458.4 (MANE Select); 5 bases into the intron before coding-DNA position 518, C replaced by T.
Molecular consequence: intron variant.
Genome position (GRCh38, 1-based): chr2:46,974,968, C>T. VCF-style: chr2-46974968-C-T. GRCh37 (hg19) VCF-style: chr2-47202107-C-T.
Other names: c.416-5C>T (NM_001288953.2); c.518-5C>T (NM_001288951.2, NM_020458.3); c.-387-5C>T (NM_001288955.2).
Identifiers: ClinVar variation 1087786 (VCV001087786.11), dbSNP rs755470255, ClinGen allele CA1647244.
Genomic context (GRCh38, chr2:46,974,968, plus strand): 5'-TGGGGAGGGCCTGGAGTCAGGGGGCCCGAGCAGGACAGGTCTGAGGCACCCTCTTCCTCC[C>T]GCAGGCCTCTCTCTGGAACGCCTACCCAACTCCATCGCCTCCCGCTTCCGCCTGACAGAG-3'